The following is an entry in ClinVar:

NM_020928.2(ZSWIM6):c.118T>G (p.Ser40Ala)

Gene: ZSWIM6 (zinc finger SWIM-type containing 6; plus strand). Cytogenetic location: 5q12.1.
Variant type: single nucleotide variant.
Coding change: c.118T>G on transcript NM_020928.2 (MANE Select); coding-DNA position 118, T replaced by G.
Protein change: p.Ser40Ala; replaces serine 40 with alanine.
Molecular consequence: missense variant.
Genome position (GRCh38, 1-based): chr5:61,332,390, T>G. VCF-style: chr5-61332390-T-G. GRCh37 (hg19) VCF-style: chr5-60628217-T-G.
Other names: short protein forms S40A.
Identifiers: ClinVar variation 1395975 (VCV001395975.8), dbSNP rs1228304711, ClinGen allele CA359940022.
Genomic context (GRCh38, chr5:61,332,390, plus strand): 5'-GGCGGCGGCGGCGGCGGGGGCAGCAGCGGCGGCGGCGGCGGCGCGGGTGGCGGCTACAGC[T>G]CTGCCTGTCGGCCAGGCCCGCGGGCGGGTGGCGCGGCGGCGGCGGCGGCGTGCGGGGGCG-3'
Protein context (NP_065979.1, residues 30-50): GGGGAGGGYS[Ser40Ala]ACRPGPRAGG

ClinVar aggregate classification (germline): Uncertain significance (1 of 4 stars; one submission).

Allele frequency attached by ClinVar (database versions not stated): gnomAD exomes 0.00002.
gnomAD v4.1: 22 of 985,310 alleles (0.0022%); highest among the groups gnomAD compares: Non-Finnish European, 0.0025%; no homozygotes.

Submission:

Labcorp Genetics (formerly Invitae), Labcorp
Classification: Uncertain significance. Last evaluated: 2021-04-22. Review status: criteria provided, single submitter. Criteria: Invitae Variant Classification Sherloc (09022015). Collection method: clinical testing. Allele origin: germline.
Comment: Algorithms developed to predict the effect of missense changes on protein structure and function are either unavailable or do not agree on the potential impact of this missense change (SIFT: "Tolerated"; PolyPhen-2: "Not Available"; Align-GVGD: "Class C0"). This variant has not been reported in the literature in individuals with ZSWIM6-related conditions. The frequency data for this variant in the population databases is considered unreliable, as metrics indicate insufficient coverage at this position in the ExAC database. This sequence change replaces serine with alanine at codon 40 of the ZSWIM6 protein (p.Ser40Ala). The serine residue is weakly conserved and there is a moderate physicochemical difference between serine and alanine. In summary, the available evidence is currently insufficient to determine the role of this variant in disease. Therefore, it has been classified as a Variant of Uncertain Significance.